The following is an entry in ClinVar:

ClinVar aggregate classification (germline): Uncertain significance (1 of 4 stars; one submission).

gnomAD v4.1: 6 of 1,613,962 alleles (0.00037%); highest among the groups gnomAD compares: Non-Finnish European, 0.00051%; no homozygotes.

Submission:

Labcorp Genetics (formerly Invitae), Labcorp
Classification: Uncertain significance. Last evaluated: 2025-11-11. Review status: criteria provided, single submitter. Criteria: Invitae Variant Classification Sherloc (09022015). Collection method: clinical testing. Allele origin: germline.
Comment: This sequence change replaces glycine, which is neutral and non-polar, with cysteine, which is neutral and slightly polar, at codon 1089 of the ERBIN protein (p.Gly1089Cys). The frequency data for this variant in the population databases is considered unreliable, as metrics indicate poor data quality at this position in the gnomAD database. This variant has not been reported in the literature in individuals affected with ERBIN-related conditions. An algorithm developed to predict the effect of missense changes on protein structure and function (PolyPhen-2) suggests that this variant is likely to be tolerated. In summary, the available evidence is currently insufficient to determine the role of this variant in disease. Therefore, it has been classified as a Variant of Uncertain Significance.

NM_001253697.2(ERBIN):c.3265G>T (p.Gly1089Cys)

Gene: ERBIN (erbb2 interacting protein; plus strand). Cytogenetic location: 5q12.3.
Variant type: single nucleotide variant.
Coding change: c.3265G>T on transcript NM_001253697.2 (MANE Select); coding-DNA position 3265, G replaced by T.
Protein change: p.Gly1089Cys; replaces glycine 1089 with cysteine.
Molecular consequence: missense variant.
Genome position (GRCh38, 1-based): chr5:66,054,583, G>T. VCF-style: chr5-66054583-G-T. GRCh37 (hg19) VCF-style: chr5-65350411-G-T.
Other names: c.3265G>T, p.Gly1089Cys (NM_001006600.3, NM_001253698.2, NM_001253699.2 and 1 more transcripts); c.3253G>T, p.Gly1085Cys (NM_001253701.2); short protein forms G1085C, G1089C.
Identifiers: ClinVar variation 4700718 (VCV004700718.1).